The following is an entry in ClinVar:

ClinVar aggregate classification (germline): Uncertain significance (1 of 4 stars; one submission).

Conditions:
Cardiovascular phenotype. Identifiers: MedGen CN230736.

gnomAD v4.1: 1 of 1,613,992 alleles (0.000062%); highest among the groups gnomAD compares: Non-Finnish European, 0.000085%; no homozygotes.

Submission:

Ambry Genetics
Classification: Uncertain significance for Cardiovascular phenotype. Last evaluated: 2024-05-19. Review status: criteria provided, single submitter. Criteria: Ambry Variant Classification Scheme 2023. Collection method: clinical testing. Allele origin: germline.
Comment: The p.I174L variant (also known as c.520A>C), located in coding exon 4 of the SCN2B gene, results from an A to C substitution at nucleotide position 520. The isoleucine at codon 174 is replaced by leucine, an amino acid with highly similar properties. This amino acid position is conserved. In addition, the in silico prediction for this alteration is inconclusive. Based on the available evidence, the clinical significance of this variant remains unclear.

NM_004588.5(SCN2B):c.520A>C (p.Ile174Leu)

Gene: SCN2B (sodium voltage-gated channel beta subunit 2; minus strand). Cytogenetic location: 11q23.3.
Variant type: single nucleotide variant.
Coding change: c.520A>C on transcript NM_004588.5 (MANE Select); coding-DNA position 520, A replaced by C.
Protein change: p.Ile174Leu; replaces isoleucine 174 with leucine.
Molecular consequence: missense variant.
Genome position (GRCh38, 1-based): chr11:118,167,015, T>G on the plus strand (A>C on the coding strand, the complement: SCN2B is on the minus strand). VCF-style: chr11-118167015-T-G. GRCh37 (hg19) VCF-style: chr11-118037730-T-G.
Other names: short protein forms I174L.
Identifiers: ClinVar variation 3316560 (VCV003316560.1).